The following continues an entry in ClinVar:

NM_006005.3(WFS1):c.2603G>A (p.Arg868His)

Gene: WFS1. ClinVar aggregate classification (germline): Conflicting classifications of pathogenicity. Likely pathogenic (1); Uncertain significance (14).

Submissions 10 to 17 of 17:

Victorian Clinical Genetics Services, Murdoch Childrens Research Institute
Classification: Uncertain significance for Wolfram syndrome 1. Last evaluated: 2020-06-11. Review status: criteria provided, single submitter. Criteria: ACMG Guidelines, 2015. Collection method: clinical testing. Allele origin: germline. Affected: yes.
Comment: Based on the classification scheme VCGS_Germline_v1.1.1, this variant is classified as VUS - 3B. Following criteria are met: 0102 - Loss-of-function is a known mechanism of disease for this gene. Truncating variants and some missense variants have been shown to result in a loss of function disease mechanism (OMIM). (N) 0104 - Dominant Negative is a known mechanism of disease for this gene. Missense variants have also been functionally proven to result in a dominant negative disease mechanism. There is no distinction between the location of the missense variants, and their disease mechanism. (PMID: 32219690). (N) 0108 - This gene is known to be associated with both recessive and dominant disease. Biallelic truncating variants, and missense variants have been reported for recessive disease, while some missense with a proven dominant negative effect on protein, have been shown to cause a dominant form of disease (PMID: 32219690). (N) 0200 - Variant is predicted to result in a missense amino acid change from arginine to histidine (exon 8). (N) 0251 - Variant is heterozygous. (N) 0304 - Variant is present in gnomAD v2 <0.01 for a recessive condition (26 heterozygotes, 0 homozygotes). (P) 0309 - An alternative amino acid change at the same position has been observed in gnomAD v2 (14 heterozygotes, 0 homozygotes). (N) 0502 - Missense variant with conflicting in silico predictions and/or uninformative conservation. (N) 0604 - Variant is not located in an established domain, motif, hotspot or informative constraint region. (N) 0705 - No comparable variants have previous evidence for pathogenicity. An alternative change (p.Arg868Cys) has been reported as a VUS (LOVD). (N) 0808 - Previous reports of pathogenicity are conflicting. This variant has been reported as causative variant in a patient with hearing loss (PMID: 26969326), but also as a VUS (ClinVar, LOVD) and as likely benign (deafnessvariationdatabase). (N) 0905 - No segregation evidence has been identified for this variant. (N) 1007 - No published functional evidence has been identified for this variant. (N) 1208 - Inheritance information for this variant is not currently available. (N) Legend: (P) - Pathogenic, (N) - Neutral, (B) - Benign

Eurofins Ntd Llc (ga)
Classification: Uncertain significance. Last evaluated: 2017-06-22. Review status: criteria provided, single submitter. Criteria: EGL Classification Definitions 2015. Collection method: clinical testing. Allele origin: germline. Observed: 1 variant allele, 1 heterozygote.

Illumina Laboratory Services, Illumina
Classification: Uncertain significance for Autosomal dominant nonsyndromic hearing loss 6. Last evaluated: 2017-04-27. Review status: criteria provided, single submitter. Criteria: ICSL Variant Classification Criteria 13 December 2019. Collection method: clinical testing. Allele origin: germline.

Illumina Laboratory Services, Illumina
Classification: Uncertain significance for WFS1-Related Spectrum Disorders. Last evaluated: 2017-04-27. Review status: criteria provided, single submitter. Criteria: ICSL Variant Classification Criteria 13 December 2019. Collection method: clinical testing. Allele origin: germline.

Center of Genomic medicine, Geneva, University Hospital of Geneva
Classification: Uncertain significance for Autistic behavior. Last evaluated: 2017-03-22. Review status: criteria provided, single submitter. Criteria: ACMG Guidelines, 2015. Collection method: clinical testing. Allele origin: maternal. Affected: yes.

Juno Genomics, Hangzhou Juno Genomics, Inc
Classification: Uncertain significance for Cataract 41; Type 2 diabetes mellitus; Autosomal dominant nonsyndromic hearing loss 6; Wolfram syndrome 1; Wolfram-like syndrome. Review status: criteria provided, single submitter. Criteria: ACMG Guidelines, 2015. Collection method: clinical testing. Allele origin: germline.
Comment: Absent from controls (or at extremely low frequency if recessive) in Genome Aggregation Database.;Multiple lines of computational evidence support a deleterious effect on the gene or gene product.

Clinical Genetics DNA and cytogenetics Diagnostics Lab, Erasmus MC, Erasmus Medical Center
Classification: Uncertain significance. Review status: no assertion criteria provided. Collection method: clinical testing. Allele origin: germline. Affected: yes. Study: VKGL Data-share Consensus. Not counted in ClinVar's aggregate classification.

Diagnostic Laboratory, Department of Genetics, University Medical Center Groningen
Classification: Uncertain significance. Review status: no assertion criteria provided. Collection method: clinical testing. Allele origin: germline. Affected: yes. Study: VKGL Data-share Consensus. Not counted in ClinVar's aggregate classification.

Literature cited by the submitters: PubMed 26969326 (cited by 4 submitters); PubMed 32883240 (cited by 3 submitters); PubMed 36597107 (cited by 3 submitters); PubMed 36729443 (cited by Labcorp Genetics (formerly Invitae), Labcorp and Ambry Genetics); PubMed 36208030 (cited by Women's Health and Genetics/Laboratory Corporation of America, LabCorp); PubMed 37337769 (cited by Women's Health and Genetics/Laboratory Corporation of America, LabCorp and Ambry Genetics); PubMed 26435059 (cited by Ambry Genetics); PubMed 29529044 (cited by Ambry Genetics); PubMed 37719678 (cited by Ambry Genetics); PubMed 32219690 (cited by Victorian Clinical Genetics Services, Murdoch Childrens Research Institute).